The following is an entry in ClinVar:

NM_000065.5(C6):c.1967G>C (p.Arg656Pro)

Gene: C6 (complement C6; minus strand). Cytogenetic location: 5p13.1.
Variant type: single nucleotide variant.
Coding change: c.1967G>C on transcript NM_000065.5 (MANE Select); coding-DNA position 1967, G replaced by C.
Protein change: p.Arg656Pro; replaces arginine 656 with proline.
Molecular consequence: missense variant.
Genome position (GRCh38, 1-based): chr5:41,158,675, C>G on the plus strand (G>C on the coding strand, the complement: C6 is on the minus strand). VCF-style: chr5-41158675-C-G. GRCh37 (hg19) VCF-style: chr5-41158777-C-G.
Other names: c.1967G>C, p.Arg656Pro (NM_001115131.4); short protein forms R656P.
Identifiers: ClinVar variation 4712660 (VCV004712660.1).
Genomic context (GRCh38, chr5:41,158,675, plus strand): 5'-AGCTATACTTTTCGAGGTTTTTAAAACTACAAACCAAAAGTGAGGTTTAGGATGCTGACC[C>G]GGATAAATCCATTTTCTGGAGGAACTGGCTGAGGACACCCGGAATCTGCTTCTATCTCAG-3'
Protein context (NP_000056.2, residues 646-666): QPVPPENGFI[Arg656Pro]NEKQLYLVGE

ClinVar aggregate classification (germline): Uncertain significance (1 of 4 stars; one submission).

Submission:

Labcorp Genetics (formerly Invitae), Labcorp
Classification: Uncertain significance. Last evaluated: 2025-02-16. Review status: criteria provided, single submitter. Criteria: Invitae Variant Classification Sherloc (09022015). Collection method: clinical testing. Allele origin: germline.
Comment: This sequence change replaces arginine, which is basic and polar, with proline, which is neutral and non-polar, at codon 656 of the C6 protein (p.Arg656Pro). This variant is not present in population databases (gnomAD no frequency). This variant has not been reported in the literature in individuals affected with C6-related conditions. An algorithm developed to predict the effect of missense changes on protein structure and function (PolyPhen-2) suggests that this variant is likely to be disruptive. In summary, the available evidence is currently insufficient to determine the role of this variant in disease. Therefore, it has been classified as a Variant of Uncertain Significance.